The following is an entry in ClinVar:

NM_020117.11(LARS1):c.126-205A>G

Gene: LARS1 (leucyl-tRNA synthetase 1; minus strand). Cytogenetic location: 5q32.
Variant type: single nucleotide variant.
Coding change: c.126-205A>G on transcript NM_020117.11 (MANE Select); 205 bases into the intron before coding-DNA position 126, A replaced by G.
Molecular consequence: intron variant.
Genome position (GRCh38, 1-based): chr5:146,172,979, T>C on the plus strand (A>G on the coding strand, the complement: LARS1 is on the minus strand). VCF-style: chr5-146172979-T-C. GRCh37 (hg19) VCF-style: chr5-145552542-T-C.
Other names: c.-37-205A>G (NM_001317965.2); c.126-205A>G (NM_016460.4, NM_001317964.2).
Identifiers: ClinVar variation 684128 (VCV000684128.1), dbSNP rs2962511, ClinGen allele CA128867300.

ClinVar aggregate classification (germline): Benign (1 of 4 stars; one submission).

Allele frequency attached by ClinVar (database versions not stated): TOPMed 0.64523; gnomAD 0.64688 and 0.65324; 1000 Genomes Project 30x 0.70721; 1000 Genomes Project 0.71306.
gnomAD v4.1: 99,234 of 152,028 alleles (65%); highest among the groups gnomAD compares: Middle Eastern, 79%; 32,696 homozygotes.

Submission:

GeneDx
Classification: Benign. Last evaluated: 2018-06-14. Review status: criteria provided, single submitter. Criteria: GeneDx Variant Classification (06012015). Collection method: clinical testing. Allele origin: germline. Affected: yes.
Comment: This variant is considered likely benign or benign based on one or more of the following criteria: it is a conservative change, it occurs at a poorly conserved position in the protein, it is predicted to be benign by multiple in silico algorithms, and/or has population frequency not consistent with disease.